The following is an entry in ClinVar:

NM_152328.5(ADSS1):c.433G>A (p.Asp145Asn)

Gene: ADSS1 (adenylosuccinate synthase 1; plus strand). Cytogenetic location: 14q32.33.
Variant type: single nucleotide variant.
Coding change: c.433G>A on transcript NM_152328.5 (MANE Select); coding-DNA position 433, G replaced by A.
Protein change: p.Asp145Asn; replaces aspartic acid 145 with asparagine.
Molecular consequence: missense variant. On other transcripts: 5 prime UTR variant (1).
Genome position (GRCh38, 1-based): chr14:104,739,773, G>A. VCF-style: chr14-104739773-G-A. GRCh37 (hg19) VCF-style: chr14-105206110-G-A.
Other names: c.-183G>A (NM_001320424.1); c.562G>A, p.Asp188Asn (NM_199165.2); c.562G>A (NM_199165.1); short protein forms D145N, D188N.
Identifiers: ClinVar variation 1681926 (VCV001681926.4), dbSNP rs143062280, ClinGen allele CA7373688.

ClinVar aggregate classification (germline): Uncertain significance. Review status: criteria provided, multiple submitters, no conflicts (2 of 4 stars). 2 submissions from 2 submitters: Uncertain significance (2). Last evaluated 2022-11-07.

Conditions:
Inborn genetic diseases. Identifiers: MedGen C0950123, MeSH D030342.

Allele frequency attached by ClinVar (database versions not stated): ExAC 0.00020; gnomAD exomes 0.00022; gnomAD 0.00029 and 0.00032; TOPMed 0.00032; ESP Exome Variant Server 0.00054.
gnomAD v4.1: 806 of 1,613,854 alleles (0.05%); highest among the groups gnomAD compares: Middle Eastern, 0.13%; 2 homozygotes.

Submissions (2):

Ambry Genetics
Classification: Uncertain significance for Inborn genetic diseases. Last evaluated: 2022-11-07. Review status: criteria provided, single submitter. Criteria: Ambry Variant Classification Scheme 2023. Collection method: clinical testing. Allele origin: germline.

Labcorp Genetics (formerly Invitae), Labcorp
Classification: Uncertain significance. Last evaluated: 2022-10-17. Review status: criteria provided, single submitter. Criteria: Invitae Variant Classification Sherloc (09022015). Collection method: clinical testing. Allele origin: germline.
Comment: This sequence change replaces aspartic acid, which is acidic and polar, with asparagine, which is neutral and polar, at codon 188 of the ADSSL1 protein (p.Asp188Asn). This variant is present in population databases (rs143062280, gnomAD 0.04%). This variant has not been reported in the literature in individuals affected with ADSSL1-related conditions. ClinVar contains an entry for this variant (Variation ID: 1681926). Algorithms developed to predict the effect of missense changes on protein structure and function are either unavailable or do not agree on the potential impact of this missense change (SIFT: "Not Available"; PolyPhen-2: "Probably Damaging"; Align-GVGD: "Not Available"). In summary, the available evidence is currently insufficient to determine the role of this variant in disease. Therefore, it has been classified as a Variant of Uncertain Significance.